The following is an entry in ClinVar:

NM_001077365.2(POMT1):c.875C>G (p.Thr292Ser)

Gene: POMT1 (protein O-mannosyltransferase 1; plus strand). Cytogenetic location: 9q34.13.
Variant type: single nucleotide variant.
Coding change: c.875C>G on transcript NM_001077365.2 (MANE Select); coding-DNA position 875, C replaced by G.
Protein change: p.Thr292Ser; replaces threonine 292 with serine.
Molecular consequence: missense variant. On other transcripts: non-coding transcript variant (10).
Genome position (GRCh38, 1-based): chr9:131,511,356, C>G. VCF-style: chr9-131511356-C-G. GRCh37 (hg19) VCF-style: chr9-134386743-C-G.
Other names: c.713C>G, p.Thr238Ser (NM_001077366.2, NM_001353194.2, NM_001374693.1); c.875C>G, p.Thr292Ser (NM_001136113.2, NM_001374690.1); c.524C>G, p.Thr175Ser (NM_001136114.2, NM_001353195.2, NM_001374691.1 and 1 more transcripts); c.941C>G, p.Thr314Ser (NM_001353193.2, NM_007171.4); c.785C>G, p.Thr262Ser (NM_001353196.2); c.779C>G, p.Thr260Ser (NM_001353197.2, NM_001353198.2); c.590C>G, p.Thr197Ser (NM_001353199.2); c.419C>G, p.Thr140Ser (NM_001353200.2); and 2 more; short protein forms T314S, T175S, T197S, T238S, T140S, T262S, T260S, T292S.
Identifiers: ClinVar variation 436378 (VCV000436378.14), dbSNP rs376471064, ClinGen allele CA5293474.
Genomic context (GRCh38, chr9:131,511,356, plus strand): 5'-CTTTCTGTCTCTCACTCATCAACCTTCTGCTTCTGTCTCAGGGAGGACTAGCTCGGATCA[C>G]TCAGGGTCAGCCACTGGAGGTGGCCTTTGGGTCCCAGGTCACTCTGAGGAACGTCTTTGG-3'
Protein context (NP_001070833.1, residues 282-302): ASLEGGLARI[Thr292Ser]QGQPLEVAFG

ClinVar aggregate classification (germline): Uncertain significance. Review status: criteria provided, multiple submitters, no conflicts (2 of 4 stars). 4 submissions from 4 submitters: Uncertain significance (4). Last evaluated 2025-03-08.

Conditions:
Autosomal recessive limb-girdle muscular dystrophy type 2K. Also called: MUSCULAR DYSTROPHY, LIMB-GIRDLE, TYPE 2K; MUSCULAR DYSTROPHY-DYSTROGLYCANOPATHY (LIMB-GIRDLE), TYPE C, 1. Identifiers: Orphanet 86812, MedGen C1836373, MONDO:0012248, OMIM 609308.
Walker-Warburg congenital muscular dystrophy. Also called: Muscular dystrophy-dystroglycanopathy, type A; Walker-Warburg syndrome. Identifiers: Orphanet 899, MedGen C0265221, MONDO:0000171.
Muscular dystrophy-dystroglycanopathy (congenital with impaired intellectual development), type B, 1. Also called: Muscular dystrophy-dystroglycanopathy (congenital with intellectual disability), type B1; MUSCULAR DYSTROPHY, CONGENITAL, POMT1-RELATED. Identifiers: MedGen C5436962, MONDO:0013159, OMIM 613155.
Inborn genetic diseases. Identifiers: MedGen C0950123, MeSH D030342.

Allele frequency attached by ClinVar (database versions not stated): gnomAD 0.00011 and 0.00009; gnomAD exomes 0.00002 and 0.00001; ExAC 0.00004; TOPMed 0.00011; ESP Exome Variant Server 0.00015.
gnomAD v4.1: 33 of 1,613,782 alleles (0.002%); highest among the groups gnomAD compares: African/African-American, 0.044%; no homozygotes.

Submissions (4):

Ambry Genetics
Classification: Uncertain significance for Inborn genetic diseases. Last evaluated: 2025-03-08. Review status: criteria provided, single submitter. Criteria: Ambry Variant Classification Scheme 2023. Collection method: clinical testing. Allele origin: germline.

Labcorp Genetics (formerly Invitae), Labcorp
Classification: Uncertain significance for Muscular dystrophy-dystroglycanopathy (congenital with impaired intellectual development), type B, 1; Walker-Warburg congenital muscular dystrophy; Autosomal recessive limb-girdle muscular dystrophy type 2K. Last evaluated: 2022-07-05. Review status: criteria provided, single submitter. Criteria: Invitae Variant Classification Sherloc (09022015). Collection method: clinical testing. Allele origin: germline.
Comment: This sequence change replaces threonine, which is neutral and polar, with serine, which is neutral and polar, at codon 314 of the POMT1 protein (p.Thr314Ser). This variant is present in population databases (rs376471064, gnomAD 0.04%). This variant has not been reported in the literature in individuals affected with POMT1-related conditions. Experimental studies and prediction algorithms are not available or were not evaluated, and the functional significance of this variant is currently unknown. In summary, the available evidence is currently insufficient to determine the role of this variant in disease. Therefore, it has been classified as a Variant of Uncertain Significance.

Eurofins Ntd Llc (ga)
Classification: Uncertain significance. Last evaluated: 2017-09-14. Review status: criteria provided, single submitter. Criteria: EGL Classification Definitions 2015. Collection method: clinical testing. Allele origin: germline. Observed: 1 variant allele, 1 heterozygote.

Genetic Services Laboratory, University of Chicago
Classification: Uncertain significance. Last evaluated: 2015-08-07. Review status: criteria provided, single submitter. Criteria: ACMG Guidelines, 2015. Collection method: clinical testing. Allele origin: germline. Affected: no.